The following is an entry in ClinVar:

NM_000203.5(IDUA):c.793-9_799del

Gene: IDUA (alpha-L-iduronidase; plus strand). Cytogenetic location: 4p16.3.
Variant type: Deletion.
Coding change: c.793-9_799del on transcript NM_000203.5 (MANE Select); 9 bases into the intron before coding-DNA position 793 through coding-DNA position 799, 16 bases deleted (CGCCCGCAGGGTGCGC).
Molecular consequence: splice acceptor variant.
Genome position (GRCh38, 1-based): chr4:1,001,973-1,001,988, CGCCCGCAGGGTGCGC deleted; deleting any 16 consecutive bases within chr4:1,001,972-1,001,988 gives the same sequence; the c. name uses the placement nearest the transcript's 3' end. VCF-style (leftmost placement, unchanged base first): chr4-1001971-CCCGCCCGCAGGGTGCG-C. GRCh37 (hg19) VCF-style: chr4-995759-CCCGCCCGCAGGGTGCG-C.
Other names: c.397-9_403del (NM_001363576.1).
Identifiers: ClinVar variation 4817939 (VCV004817939.1).
Genomic context (GRCh38, chr4:1,001,971, plus strand): 5'-GTTCTGCGCCCTCAGCCGCTGTGCCCCGGGCCGCGCTGACCCTGGTGGTGCTGAGGCGGC[CCCGCCCGCAGGGTGCG>C]CGCAGCTCCATCTCCATCCTGGAGCAGGAGAAGGTCGTCGCGCAGCAGATCCGGCAGCTC-3'

ClinVar aggregate classification (germline): Likely pathogenic (1 of 4 stars; one submission).

Conditions:
Mucopolysaccharidosis type 1. Also called: IDUA deficiency; MPS I; Mucopolysaccharidosis Type I. Identifiers: Orphanet 579, MedGen C0023786, MONDO:0001586.

Submission:

Natera, Inc.
Classification: Likely pathogenic for Mucopolysaccharidosis type I. Last evaluated: 2024-11-08. Review status: criteria provided, single submitter. Criteria: Natera Variant Classification Schema (03/2026). Collection method: clinical testing. Allele origin: germline.
Comment: The c.793-9_799del variant in IDUA is a frameshift variant predicted to shift the reading frame and introduce a stop codon. This variant is expected to result in nonsense mediated decay, truncation, or a dysfunctional protein product. This variant is rare in the general population with a frequency below the threshold expected for the associated phenotype(s). Given the available evidence, this variant is classified as Likely Pathogenic.